The following is an entry in ClinVar:

ClinVar aggregate classification (germline): Conflicting classifications of pathogenicity. Review status: criteria provided, conflicting classifications (1 of 4 stars). 2 submissions from 2 submitters: Uncertain significance (1); Likely benign (1). Last evaluated 2021-01-02.

Conditions:
Neurofibromatosis, type 1 (NF1). Also called: Neurofibromatosis, type I; VON RECKLINGHAUSEN DISEASE; Peripheral type neurofibromatosis; NEUROFIBROMATOSIS, TYPE I, SOMATIC. Identifiers: Orphanet 636, MedGen C0027831, MONDO:0018975, OMIM 162200. Disease mechanism: loss of function.
Hereditary cancer-predisposing syndrome. Also called: Hereditary neoplastic syndrome; Hereditary Cancer Syndrome; Tumor predisposition; Neoplastic Syndromes, Hereditary. Identifiers: Orphanet 140162, MedGen C0027672, MeSH D009386, MONDO:0015356.
Cardiovascular phenotype. Identifiers: MedGen CN230736.

Submissions (2):

Labcorp Genetics (formerly Invitae), Labcorp
Classification: Likely benign for Neurofibromatosis, type 1. Last evaluated: 2021-01-02. Review status: criteria provided, single submitter. Criteria: Invitae Variant Classification Sherloc (09022015). Collection method: clinical testing. Allele origin: germline.

Ambry Genetics
Classification: Uncertain significance for Cardiovascular phenotype; Hereditary cancer-predisposing syndrome. Last evaluated: 2020-03-31. Review status: criteria provided, single submitter. Criteria: Ambry Variant Classification Scheme 2023. Collection method: clinical testing. Allele origin: germline.
Comment: The c.5547-5C>G intronic variant results from a C to G substitution 5 nucleotides upstream from coding exon 38 in the NF1 gene. This nucleotide position is not well conserved in available vertebrate species. Using two different splice site prediction tools, this alteration is predicted by ESEfinder to weaken the efficiency of the native splice acceptor site, but is not predicted to have a deleterious effect on this splice acceptor site by BDGP; however direct evidence is insufficient at this time (Ambry internal data). Since supporting evidence is limited at this time, the clinical significance of this alteration remains unclear.

NM_001042492.3(NF1):c.5610-5C>G

Gene: NF1 (neurofibromin 1; plus strand). Cytogenetic location: 17q11.2.
Variant type: single nucleotide variant.
Coding change: c.5610-5C>G on transcript NM_001042492.3 (MANE Select); 5 bases into the intron before coding-DNA position 5610, C replaced by G.
Molecular consequence: intron variant.
Genome position (GRCh38, 1-based): chr17:31,330,291, C>G. VCF-style: chr17-31330291-C-G. GRCh37 (hg19) VCF-style: chr17-29657309-C-G.
Other names: c.5547-5C>G (NM_000267.4).
Identifiers: ClinVar variation 1668445 (VCV001668445.10), dbSNP rs2151544379, ClinGen allele CA2573153414.